The following is an entry in ClinVar:

ClinVar aggregate classification (germline): Uncertain significance (1 of 4 stars; one submission).

Conditions:
Familial hemophagocytic lymphohistiocytosis 4 (FHL4). Also called: STX11-Related Familial Hemophagocytic Lymphohistiocytosis (STX11-fHLH). Identifiers: Orphanet 540, MedGen C1863728, MONDO:0011336, OMIM 603552.

Allele frequency attached by ClinVar (database versions not stated): TOPMed below 0.00001; gnomAD 0.00001.
gnomAD v4.1: 6 of 1,610,626 alleles (0.00037%); highest among the groups gnomAD compares: Non-Finnish European, 0.00051%; no homozygotes.

Submission:

Labcorp Genetics (formerly Invitae), Labcorp
Classification: Uncertain significance for Familial hemophagocytic lymphohistiocytosis 4. Last evaluated: 2020-03-10. Review status: criteria provided, single submitter. Criteria: Invitae Variant Classification Sherloc (09022015). Collection method: clinical testing. Allele origin: germline.
Comment: This sequence change replaces glycine with serine at codon 97 of the STX11 protein (p.Gly97Ser). The glycine residue is moderately conserved and there is a small physicochemical difference between glycine and serine. This variant is not present in population databases (ExAC no frequency). This variant has not been reported in the literature in individuals with STX11-related conditions. Algorithms developed to predict the effect of missense changes on protein structure and function are either unavailable or do not agree on the potential impact of this missense change (SIFT: "Tolerated"; PolyPhen-2: "Possibly Damaging"; Align-GVGD: "Class C0"). In summary, the available evidence is currently insufficient to determine the role of this variant in disease. Therefore, it has been classified as a Variant of Uncertain Significance.

NM_003764.4(STX11):c.289G>A (p.Gly97Ser)

Gene: STX11 (syntaxin 11; plus strand). Cytogenetic location: 6q24.2.
Variant type: single nucleotide variant.
Coding change: c.289G>A on transcript NM_003764.4 (MANE Select); coding-DNA position 289, G replaced by A.
Protein change: p.Gly97Ser; replaces glycine 97 with serine.
Molecular consequence: missense variant.
Genome position (GRCh38, 1-based): chr6:144,186,916, G>A. VCF-style: chr6-144186916-G-A. GRCh37 (hg19) VCF-style: chr6-144508053-G-A.
Other names: short protein forms G97S.
Identifiers: ClinVar variation 838955 (VCV000838955.9), dbSNP rs1242174048, ClinGen allele CA365948923.